The following is an entry in ClinVar:

NM_000057.4(BLM):c.3155C>T (p.Pro1052Leu)

Gene: BLM (BLM RecQ like helicase; plus strand). Cytogenetic location: 15q26.1.
Variant type: single nucleotide variant.
Coding change: c.3155C>T on transcript NM_000057.4 (MANE Select); coding-DNA position 3155, C replaced by T.
Protein change: p.Pro1052Leu; replaces proline 1052 with leucine.
Molecular consequence: missense variant.
Genome position (GRCh38, 1-based): chr15:90,794,302, C>T. VCF-style: chr15-90794302-C-T. GRCh37 (hg19) VCF-style: chr15-91337532-C-T.
Other names: c.3155C>T, p.Pro1052Leu (NM_001287246.2, NM_001287247.2); c.2030C>T, p.Pro677Leu (NM_001287248.2); short protein forms P1052L, P677L.
Identifiers: ClinVar variation 3621590 (VCV003621590.2).
Genomic context (GRCh38, chr15:90,794,302, plus strand): 5'-ATATAACGGAATGCAGGAGAATACAGCTTTTGGCCTACTTTGGTGAAAATGGATTTAATC[C>T]TGATTTTTGTAAGAAACACCCAGATGTTTCTTGTGATAATTGCTGTAAAACAAAGGTAAA-3'
Protein context (NP_000048.1, residues 1042-1062): LAYFGENGFN[Pro1052Leu]DFCKKHPDVS

ClinVar aggregate classification (germline): Uncertain significance (1 of 4 stars; one submission).

Conditions:
Bloom syndrome (BLM). Also called: Bloom-Torre-Machacek syndrome. Identifiers: Orphanet 125, MedGen C0005859, MONDO:0008876, OMIM 210900.

Submission:

Labcorp Genetics (formerly Invitae), Labcorp
Classification: Uncertain significance for Bloom syndrome. Last evaluated: 2024-02-03. Review status: criteria provided, single submitter. Criteria: Invitae Variant Classification Sherloc (09022015). Collection method: clinical testing. Allele origin: germline.
Comment: This sequence change replaces proline, which is neutral and non-polar, with leucine, which is neutral and non-polar, at codon 1052 of the BLM protein (p.Pro1052Leu). This variant is not present in population databases (gnomAD no frequency). This variant has not been reported in the literature in individuals affected with BLM-related conditions. Advanced modeling of protein sequence and biophysical properties (such as structural, functional, and spatial information, amino acid conservation, physicochemical variation, residue mobility, and thermodynamic stability) performed at Invitae indicates that this missense variant is not expected to disrupt BLM protein function with a negative predictive value of 80%. In summary, the available evidence is currently insufficient to determine the role of this variant in disease. Therefore, it has been classified as a Variant of Uncertain Significance.